The following is an entry in ClinVar:

NM_001387430.1(SH2B1):c.1668G>C (p.Gln556His)

Gene: SH2B1 (SH2B adaptor protein 1; plus strand). Cytogenetic location: 16p11.2.
Variant type: single nucleotide variant.
Coding change: c.1668G>C on transcript NM_001387430.1 (MANE Select); coding-DNA position 1668, G replaced by C.
Protein change: p.Gln556His; replaces glutamine 556 with histidine.
Molecular consequence: missense variant.
Genome position (GRCh38, 1-based): chr16:28,872,344, G>C. VCF-style: chr16-28872344-G-C. GRCh37 (hg19) VCF-style: chr16-28883665-G-C.
Other names: c.1668G>C, p.Gln556His (NM_001145795.2, NM_001145796.2, NM_001145797.2 and 4 more transcripts); c.660G>C, p.Gln220His (NM_001308294.2); short protein forms Q220H, Q556H.
Identifiers: ClinVar variation 1702808 (VCV001702808.2), dbSNP rs375576353, ClinGen allele CA7986268.

ClinVar aggregate classification (germline): Uncertain significance (1 of 4 stars; one submission).

Allele frequency attached by ClinVar (database versions not stated): gnomAD exomes below 0.00001; ExAC 0.00001; gnomAD 0.00001; TOPMed 0.00001; ESP Exome Variant Server 0.00008.
gnomAD v4.1: 3 of 1,613,726 alleles (0.00019%); highest among the groups gnomAD compares: Non-Finnish European, 0.00025%; no homozygotes.

Submission:

GeneDx
Classification: Uncertain significance. Last evaluated: 2022-02-16. Review status: criteria provided, single submitter. Criteria: GeneDx Variant Classification Process June 2021. Collection method: clinical testing. Allele origin: germline. Affected: yes.
Comment: Not observed at significant frequency in large population cohorts (gnomAD); In silico analysis supports that this missense variant has a deleterious effect on protein structure/function; Has not been previously published as pathogenic or benign to our knowledge